The following is an entry in ClinVar:

NM_002336.3(LRP6):c.832_833del (p.Arg278fs)

Gene: LRP6 (LDL receptor related protein 6; minus strand). Cytogenetic location: 12p13.2.
Variant type: Microsatellite.
Coding change: c.832_833del on transcript NM_002336.3 (MANE Select); coding-DNA positions 832 to 833, 2 bases deleted (AG; older notation c.832_833delAG).
Protein change: p.Arg278fs; shifts the reading frame from arginine 278.
Molecular consequence: frameshift variant. On other transcripts: non-coding transcript variant (1).
Genome position (GRCh38, 1-based): chr12:12,186,934-12,186,935, CT deleted on the plus strand (AG on the coding strand, the reverse complement: LRP6 is on the minus strand); deleting any 2 consecutive bases within chr12:12,186,934-12,186,937 gives the same sequence; the c. name uses the placement nearest the transcript's 3' end. VCF-style (leftmost placement, unchanged base first): chr12-12186933-CCT-C. GRCh37 (hg19) VCF-style: chr12-12339867-CCT-C.
Other names: c.832_833del, p.Arg278fs (NM_001414244.1, NM_001414245.1, NM_001414246.1 and 5 more transcripts); c.634_635del, p.Arg212fs (NM_001414247.1); c.379_380del, p.Arg127fs (NM_001414252.1, NM_001414253.1, NM_001414254.1); short protein forms R212fs, R278fs, R127fs.
Identifiers: ClinVar variation 3632395 (VCV003632395.2).

ClinVar aggregate classification (germline): Pathogenic (1 of 4 stars; one submission).

Submission:

Labcorp Genetics (formerly Invitae), Labcorp
Classification: Pathogenic. Last evaluated: 2024-07-16. Review status: criteria provided, single submitter. Criteria: Invitae Variant Classification Sherloc (09022015). Collection method: clinical testing. Allele origin: germline.
Comment: This sequence change creates a premature translational stop signal (p.Arg278Alafs*11) in the LRP6 gene. It is expected to result in an absent or disrupted protein product. Loss-of-function variants in LRP6 are known to be pathogenic (PMID: 26387593). This variant is not present in population databases (gnomAD no frequency). This variant has not been reported in the literature in individuals affected with LRP6-related conditions. For these reasons, this variant has been classified as Pathogenic.

Literature cited by the submitters: PubMed 26387593.